The following is an entry in ClinVar:

NM_004588.5(SCN2B):c.293G>A (p.Arg98His)

Gene: SCN2B (sodium voltage-gated channel beta subunit 2; minus strand). Cytogenetic location: 11q23.3.
Variant type: single nucleotide variant.
Coding change: c.293G>A on transcript NM_004588.5 (MANE Select); coding-DNA position 293, G replaced by A.
Protein change: p.Arg98His; replaces arginine 98 with histidine.
Molecular consequence: missense variant.
Genome position (GRCh38, 1-based): chr11:118,168,240, C>T on the plus strand (G>A on the coding strand, the complement: SCN2B is on the minus strand). VCF-style: chr11-118168240-C-T. GRCh37 (hg19) VCF-style: chr11-118038955-C-T.
Other names: short protein forms R98H.
Identifiers: ClinVar variation 3224331 (VCV003224331.1), dbSNP rs1299303400, ClinGen allele CA382785253.
Genomic context (GRCh38, chr11:118,168,240, plus strand): 5'-TGCACGTTTCTCAGCATCACCGACACATCGTACTTGCTGGGGTTCCCTGAGAACTCCACG[C>T]GGTCTTGAAACCGCTCCAGCTTCAGGTTAATGATCTTCATGCGGAACTGGAGGAACTGGG-3'
Protein context (NP_004579.1, residues 88-108): INLKLERFQD[Arg98His]VEFSGNPSKY

ClinVar aggregate classification (germline): Uncertain significance (1 of 4 stars; one submission).

Conditions:
Cardiovascular phenotype. Identifiers: MedGen CN230736.

Allele frequency attached by ClinVar (database versions not stated): gnomAD exomes below 0.00001.
gnomAD v4.1: 7 of 1,614,214 alleles (0.00043%); highest among the groups gnomAD compares: African/African-American, 0.0013%; no homozygotes.

Submission:

Ambry Genetics
Classification: Uncertain significance for Cardiovascular phenotype. Last evaluated: 2024-02-25. Review status: criteria provided, single submitter. Criteria: Ambry Variant Classification Scheme 2023. Collection method: clinical testing. Allele origin: germline.
Comment: The p.R98H variant (also known as c.293G>A), located in coding exon 3 of the SCN2B gene, results from a G to A substitution at nucleotide position 293. The arginine at codon 98 is replaced by histidine, an amino acid with highly similar properties. This amino acid position is conserved. In addition, this alteration is predicted to be deleterious by in silico analysis. Based on the available evidence, the clinical significance of this alteration remains unclear.